The following is an entry in ClinVar:

NM_003482.4(KMT2D):c.8836C>G (p.Leu2946Val)

Gene: KMT2D (lysine methyltransferase 2D; minus strand). Cytogenetic location: 12q13.12.
Variant type: single nucleotide variant.
Coding change: c.8836C>G on transcript NM_003482.4 (MANE Select); coding-DNA position 8836, C replaced by G.
Protein change: p.Leu2946Val; replaces leucine 2946 with valine.
Molecular consequence: missense variant.
Genome position (GRCh38, 1-based): chr12:49,038,520, G>C on the plus strand (C>G on the coding strand, the complement: KMT2D is on the minus strand). VCF-style: chr12-49038520-G-C. GRCh37 (hg19) VCF-style: chr12-49432303-G-C.
Other names: short protein forms L2946V.
Identifiers: ClinVar variation 4801225 (VCV004801225.1).

ClinVar aggregate classification (germline): Uncertain significance (1 of 4 stars; one submission).

Conditions:
Kabuki syndrome. Also called: NIIKAWA-KUROKI SYNDROME; Kabuki make-up syndrome. Identifiers: Orphanet 2322, MedGen C0796004, MONDO:0016512.

Submission:

Labcorp Genetics (formerly Invitae), Labcorp
Classification: Uncertain significance for Kabuki syndrome. Last evaluated: 2025-08-15. Review status: criteria provided, single submitter. Criteria: Invitae Variant Classification Sherloc (09022015). Collection method: clinical testing. Allele origin: germline.
Comment: This sequence change replaces leucine, which is neutral and non-polar, with valine, which is neutral and non-polar, at codon 2946 of the KMT2D protein (p.Leu2946Val). This variant is not present in population databases (gnomAD no frequency). This variant has not been reported in the literature in individuals affected with KMT2D-related conditions. Invitae Evidence Modeling of protein sequence and biophysical properties (such as structural, functional, and spatial information, amino acid conservation, physicochemical variation, residue mobility, and thermodynamic stability) indicates that this missense variant is not expected to disrupt KMT2D protein function with a negative predictive value of 95%. In summary, the available evidence is currently insufficient to determine the role of this variant in disease. Therefore, it has been classified as a Variant of Uncertain Significance.